The following is an entry in ClinVar:

NM_053274.3(GLMN):c.157_161del (p.Glu52_Lys53insTer)

Gene: GLMN (glomulin; minus strand). Cytogenetic location: 1p22.1.
Variant type: Deletion.
Coding change: c.157_161del on transcript NM_053274.3 (MANE Select); coding-DNA positions 157 to 161, 5 bases deleted (AAGAA; older notation c.157_161delAAGAA).
Protein change: p.Glu52_Lys53insTer.
Molecular consequence: nonsense. On other transcripts: non-coding transcript variant (1).
Genome position (GRCh38, 1-based): chr1:92,297,408-92,297,412, TTCTT deleted on the plus strand (AAGAA on the coding strand, the reverse complement: GLMN is on the minus strand); deleting any 5 consecutive bases within chr1:92,297,408-92,297,415 gives the same sequence; the c. name uses the placement nearest the transcript's 3' end. VCF-style (leftmost placement, unchanged base first): chr1-92297407-ATTCTT-A. GRCh37 (hg19) VCF-style: chr1-92762964-ATTCTT-A.
Other names: p.(Lys53Ter); c.157_161delAAGAA (NM_053274.2, NM_053274.3); c.157_161del, p.Glu52_Lys53insTer (NM_001319683.2).
Identifiers: ClinVar variation 7806 (VCV000007806.32), dbSNP rs762515373, ClinGen allele CA070786.

ClinVar aggregate classification (germline): Pathogenic/Likely pathogenic. Review status: criteria provided, multiple submitters, no conflicts (2 of 4 stars). 18 submissions from 18 submitters: Pathogenic (16); Likely pathogenic (1). 1 of the submissions does not count toward it. Last evaluated 2026-03-17.

Conditions:
GLMN-related disorders.
Vascular skin disorders.
GLMN-related disorder. Also called: GLMN-related condition.
Inborn genetic diseases. Identifiers: MedGen C0950123, MeSH D030342.
Glomuvenous malformation. Also called: GLOMANGIOMAS, MULTIPLE; GLOMUS TUMORS, MULTIPLE; Familial glomangioma; VENOUS MALFORMATIONS WITH GLOMUS CELLS. Identifiers: Orphanet 83454, MedGen C1841984, MONDO:0007672, OMIM 138000.

Submissions 1 to 13 of 18:

Genetics Laboratory, Great Ormond Street Hospital NHS Foundation Trust, North Thames Genomic Laboratory Hub
Classification: Pathogenic for Vascular skin disorders. Last evaluated: 2026-03-17. Review status: criteria provided, single submitter. Criteria: ACGS Best Practice Guidelines for Variant Classification in Rare Disease 2024 v1.2. Collection method: clinical testing. Allele origin: germline. Affected: yes.
Comment: PS4_moderate, PVS1_very-strong, PP1_strong

PreventionGenetics, part of Exact Sciences
Classification: Pathogenic for GLMN-related condition. Last evaluated: 2026-02-02. Review status: criteria provided, single submitter. Criteria: ACMG Guidelines, 2015. Collection method: clinical testing. Allele origin: germline.
Comment: The GLMN c.157_161del5 variant is predicted to result in premature protein termination (p.Lys53*). This variant has been reported to be causative for autosomal dominant glomuvenous malformations in multiple families (referred to as 157delAAGAA - Brouillard et al. 2002. PubMed ID: 11845407; Suárez-Magdalena et al. 2018. PubMed ID: 30460983). This variant is reported in 0.019% of alleles in individuals of South Asian in gnomAD. Loss-of-function variants in GLMN are a known cause of disease (Brouillard et al. 2013. PubMed ID: 23801931). This variant is interpreted as pathogenic.

Variantyx, Inc.
Classification: Likely pathogenic for Glomuvenous malformation. Last evaluated: 2025-07-31. Review status: criteria provided, single submitter. Criteria: Variantyx Assertion Criteria 2022. Collection method: clinical testing. Allele origin: germline. Inheritance: Autosomal dominant inheritance. Affected: yes.
Comment: This is a frameshift variant in the GLMN gene (OMIM: 601749). Pathogenic variants in this gene have been associated with autosomal dominant glomuvenous malformations. This variant introduces a premature termination codon in exon 3 out of 19 and is expected to result in loss of function, which is a known disease mechanism for GLMN in this disorder (PMID: 38489583) (PVS1). It is the most common pathogenic variant associated with hereditary glomuvenous malformations and has been reported in several unrelated affected individuals (PMID: 11845407, 15689436, 30460983) (PS4), and it has been shown to segregate with disease in multiple families (PMID: 11845407, 15689436, 30460983) (PP1_Strong). This variant has a 0.0120% maximum allele frequency in non-founder control populations. Based on the current evidence, this variant is classified as pathogenic for autosomal dominant glomuvenous malformations.

Centre for Clinical Genetics and Genomic Diagnostics, Zealand University Hospital
Classification: Pathogenic. Last evaluated: 2025-04-07. Review status: criteria provided, single submitter. Criteria: ACMG Guidelines, 2015. Collection method: clinical testing. Allele origin: germline.

Greenwood Genetic Center Diagnostic Laboratories, Greenwood Genetic Center
Classification: Pathogenic for Glomuvenous malformation. Last evaluated: 2024-12-19. Review status: criteria provided, single submitter. Criteria: ACMG Guidelines, 2015. Collection method: clinical testing. Allele origin: germline. Affected: yes.
Comment: PVS1, PS4, PM2

Blueprint Genetics
Classification: Pathogenic for GLMN-related disorders. Last evaluated: 2024-11-23. Review status: criteria provided, single submitter. Criteria: ACMG Guidelines, 2015. Collection method: clinical testing. Allele origin: germline. Affected: yes. Observed: 5 variant alleles.

Revvity Omics, Revvity
Classification: Pathogenic for Glomuvenous malformation. Last evaluated: 2024-10-08. Review status: criteria provided, single submitter. Criteria: ACMG Guidelines, 2015. Collection method: clinical testing. Allele origin: germline.

Clinical Genomics Laboratory, Washington University in St. Louis
Classification: Pathogenic for Glomuvenous malformation. Last evaluated: 2024-06-10. Review status: criteria provided, single submitter. Criteria: ACMG Guidelines, 2015. Collection method: clinical testing. Allele origin: germline. Affected: yes.
Comment: A GLMN c.157_161del (p.Lys53*) variant was identified at a heterozygous allelic fraction of 50.9%, a frequency which is consistent with germline origin. This variant has been reported in numerous individuals with glomuvenous malformations (Brouillard P et al., PMID: 23801931; Suárez-Magdalena O et al., PMID: 30460983; Brouillard P et al., PMID: 11845407). This variant has been reported in the ClinVar database as a germline pathogenic variant by multiple submitters (ClinVar ID: 7806) and is observed on 158/1,610,474 alleles in the general population (gnomAD v.4.1.0). This variant is a deletion of five nucleotides, which results in a frameshift, leading to a premature termination codon, which is predicted to lead to nonsense mediated decay. Based on available information, and based on ACMG/AMP guidelines for variant interpretation (Richards S et al., PMID: 25741868), this GLMN c.157_161del (p.Lys53*) variant is classified as pathogenic.

Ambry Genetics
Classification: Pathogenic for Inborn genetic diseases. Last evaluated: 2024-03-01. Review status: criteria provided, single submitter. Criteria: Ambry Variant Classification Scheme 2023. Collection method: clinical testing. Allele origin: germline.
Comment: The c.157_161delAAGAA (p.K53*) alteration, located in exon 3 (coding exon 2) of the GLMN gene, consists of a deletion of 5 nucleotides from position 157 to 161, causing a translational frameshift with a predicted alternate stop codon after amino acids. This alteration is expected to result in loss of function by premature protein truncation or nonsense-mediated mRNA decay. Based on data from gnomAD, this allele has an overall frequency of 0.005% (14/282026) total alleles studied. The highest observed frequency was 0.02% (6/30610) of South Asian alleles. This variant has been reported in multiple individuals with glomuvenous malformations and has been to show to segregate with the phenotype in multiple large families (Brouillard, 2002; Brouillard, 2013; Su&aacute;rez-Magdalena, 2019). Based on the available evidence, this alteration is classified as pathogenic.

Fulgent Genetics
Classification: Pathogenic for Glomuvenous malformation. Last evaluated: 2024-01-16. Review status: criteria provided, single submitter. Criteria: ACMG Guidelines, 2015. Collection method: clinical testing. Allele origin: germline.

Molecular Genetics, Royal Melbourne Hospital
Classification: Pathogenic for Glomuvenous malformation. Last evaluated: 2023-03-02. Review status: criteria provided, single submitter. Criteria: ACMG Guidelines, 2015. Collection method: clinical testing. Allele origin: germline. Affected: yes.
Comment: This sequence change in GLMN is a frameshift variant predicted to cause a premature stop codon, p.(Lys53*), in biologically relevant exon 3/19 leading to nonsense-mediated decay in a gene in which loss-of-function is an established disease mechanism. The highest population minor allele frequency in the population database gnomAD v2.1 is 0.02% (6/30,610 alleles) in the South Asian population. This variant is the most commonly reported variant causing glomuvenous malformations (PMID: 23801931), and segregates with disease in multiple families (PMID: 11845407, 30460983). Based on the classification scheme RMH Modified ACMG Guidelines v1.5.1, this variant is classified as PATHOGENIC. Following criteria are met: PVS1, PP1_Strong.

Baylor Genetics
Classification: Pathogenic for Glomuvenous malformation. Last evaluated: 2022-10-06. Review status: criteria provided, single submitter. Criteria: ACMG Guidelines, 2015. Collection method: clinical testing. Allele origin: unknown.

ARUP Laboratories, Molecular Genetics and Genomics, ARUP Laboratories
Classification: Pathogenic for Glomuvenous malformation. Last evaluated: 2022-09-16. Review status: criteria provided, single submitter. Criteria: ARUP Molecular Germline Variant Investigation Process 2021. Collection method: clinical testing. Allele origin: germline.
Comment: The GLMN c.157_161delAAGAA variant (rs762515373) is one of a common variants associated with glomuvenous malformations (Brouillard 2002, Brouillard 2005, Suárez-Magdalena 2019). These reports demonstrated segregation of this variant with disease from over 20 families, and with similar haplotype sharing suggestive of a common ancestral origin. This variant is listed in the Genome Aggregation Database (gnomAD) with a frequency of 0.02 percent in the South Asian population (identified on 6 out of 30,610 chromosomes) and has been reported to the ClinVar database as pathogenic (Variation ID: 7806). This variant causes a frameshift by deleting 5 nucleotides in the third exon (of 19 total exons), and is predicted to result in a truncated protein. Truncating variants in GLMN are a common mechanism of disease. Based on these observations, the c.157_161del is considered to be pathogenic. Pathogenic variants in GLMN are inherited in an autosomal dominant manner and are associated with glomuvenous malformations (MIM: 138000). Reduced penetrance and phenotypic variability are thought to be accounted for by somatic second hit variants, most commonly uniparental isodisomy involving chromosome 1p (Amyere 2013). References: Amyere et al. Somatic uniparental isodisomy explains multifocality of glomuvenous malformations. Am J Hum Genet. 2013 Feb 7;92(2):188-96. doi: 10.1016/j.ajhg.2012.12.017. Epub 2013 Jan 31. Brouillard et al. Mutations in a novel factor, glomulin, are responsible for glomuvenous malformations ("glomangiomas"). Am J Hum Genet. 2002 Apr;70(4):866-74. Brouillard et al. Four common glomulin mutations cause two thirds of glomuvenous malformations ("familial glomangiomas"): evidence for a founder effect. J Med Genet. 2005 Feb;42(2):e13. Suárez-Magdalena et al., Glomulin gene c.157_161del mutation in a family with multiple glomuvenous malformations. Int J Dermatol. 2019 Feb;58(2):e43-e45.